The following is an entry in ClinVar:

NM_000222.3(KIT):c.494A>T (p.Asp165Val)

Gene: KIT (KIT proto-oncogene, receptor tyrosine kinase; plus strand). Cytogenetic location: 4q12.
Variant type: single nucleotide variant.
Coding change: c.494A>T on transcript NM_000222.3 (MANE Select); coding-DNA position 494, A replaced by T.
Protein change: p.Asp165Val; replaces aspartic acid 165 with valine.
Molecular consequence: missense variant.
Genome position (GRCh38, 1-based): chr4:54,698,440, A>T. VCF-style: chr4-54698440-A-T. GRCh37 (hg19) VCF-style: chr4-55564606-A-T.
Other names: c.494A>T, p.Asp165Val (NM_001093772.2, NM_001385284.1, NM_001385285.1 and 4 more transcripts); short protein forms D165V.
Identifiers: ClinVar variation 4645280 (VCV004645280.1).

ClinVar aggregate classification (germline): Uncertain significance (1 of 4 stars; one submission).

Conditions:
Hereditary cancer-predisposing syndrome. Also called: Neoplastic Syndromes, Hereditary; Tumor predisposition; Hereditary Cancer Syndrome; Hereditary neoplastic syndrome. Identifiers: Orphanet 140162, MedGen C0027672, MeSH D009386, MONDO:0015356.

Submission:

Ambry Genetics
Classification: Uncertain significance for Hereditary cancer-predisposing syndrome. Last evaluated: 2025-11-11. Review status: criteria provided, single submitter. Criteria: Ambry Variant Classification Scheme 2023. Collection method: clinical testing. Allele origin: germline.
Comment: The p.D165V variant (also known as c.494A>T), located in coding exon 3 of the KIT gene, results from an A to T substitution at nucleotide position 494. The aspartic acid at codon 165 is replaced by valine, an amino acid with highly dissimilar properties. This amino acid position is conserved. In addition, the in silico prediction for this alteration is inconclusive. Based on the available evidence, the clinical significance of this variant remains unclear.